The following is an entry in ClinVar:

ClinVar aggregate classification (germline): Likely benign (0 of 4 stars; one submission).

Conditions:
MASP1-related disorder. Also called: MASP1-related condition.

Allele frequency attached by ClinVar (database versions not stated): TOPMed below 0.00001; gnomAD exomes 0.00001.
gnomAD v4.1: 16 of 1,612,230 alleles (0.00099%); highest among the groups gnomAD compares: Non-Finnish European, 0.0012%; no homozygotes.

Submission:

PreventionGenetics, part of Exact Sciences
Classification: Likely benign for MASP1-related condition. Last evaluated: 2020-07-31. Review status: no assertion criteria provided. Collection method: clinical testing. Allele origin: germline.
Comment: This variant is classified as likely benign based on ACMG/AMP sequence variant interpretation guidelines (Richards et al. 2015 PMID: 25741868, with internal and published modifications).

NM_139125.4(MASP1):c.1011+8G>A

Gene: MASP1 (MBL associated serine protease 1; minus strand). Cytogenetic location: 3q27.3.
Variant type: single nucleotide variant.
Coding change: c.1011+8G>A on transcript NM_139125.4 (MANE Select); 8 bases into the intron after coding-DNA position 1011, G replaced by A.
Molecular consequence: intron variant.
Genome position (GRCh38, 1-based): chr3:187,251,626, C>T on the plus strand (G>A on the coding strand, the complement: MASP1 is on the minus strand). VCF-style: chr3-187251626-C-T. GRCh37 (hg19) VCF-style: chr3-186969414-C-T.
Other names: c.1011+8G>A (NM_001879.6, NM_001031849.3).
Identifiers: ClinVar variation 3036700 (VCV003036700.2), dbSNP rs1714606491, ClinGen allele CA1427317583.